The following is an entry in ClinVar:

ClinVar aggregate classification (germline): Pathogenic (1 of 4 stars; one submission).

Submission:

GeneDx
Classification: Pathogenic. Last evaluated: 2017-12-06. Review status: criteria provided, single submitter. Criteria: GeneDx Variant Classification (06012015). Collection method: clinical testing. Allele origin: germline. Affected: yes.
Comment: The c.1911+1G>C variant in the DCC gene has not been reported previously as a pathogenic variant nor as a benign variant, to our knowledge. This splice site variant destroys the canonical splice donor site in intron 12. It is predicted to cause abnormal gene splicing, either leading to an abnormal message that is subject to nonsense-mediated mRNA decay, or to an abnormal protein product if the message is used for protein translation. The c.1911+1G>C variant is not observed in large population cohorts (Lek et al., 2016). We interpret c.1911+1G>C as a pathogenic variant.

NM_005215.4(DCC):c.1911+1G>C

Gene: DCC (DCC netrin 1 receptor; plus strand). Cytogenetic location: 18q21.2.
Variant type: single nucleotide variant.
Coding change: c.1911+1G>C on transcript NM_005215.4 (MANE Select); the canonical splice donor site of the intron after coding-DNA position 1911, G replaced by C.
Molecular consequence: splice donor variant.
Genome position (GRCh38, 1-based): chr18:53,215,598, G>C. VCF-style: chr18-53215598-G-C. GRCh37 (hg19) VCF-style: chr18-50741968-G-C.
Identifiers: ClinVar variation 489193 (VCV000489193.2), dbSNP rs1555732204, ClinGen allele CA402518794.
Genomic context (GRCh38, chr18:53,215,598, plus strand): 5'-TTCCTTTTAGTGCCAAGTGCCCCGCCTCAGAACGTCTCCCTGGAAGTGGTCAATTCAAGA[G>C]TAAGTTGGCTAAATGTTCACTACTCCATTACCTATCAAGATTACCTATCATGTATAACCT-3'